The following is an entry in ClinVar:

NM_016247.4(IMPG2):c.2717G>A (p.Arg906Gln)

Gene: IMPG2 (interphotoreceptor matrix proteoglycan 2; minus strand). Cytogenetic location: 3q12.3.
Variant type: single nucleotide variant.
Coding change: c.2717G>A on transcript NM_016247.4 (MANE Select); coding-DNA position 2717, G replaced by A.
Protein change: p.Arg906Gln; replaces arginine 906 with glutamine.
Molecular consequence: missense variant.
Genome position (GRCh38, 1-based): chr3:101,243,614, C>T on the plus strand (G>A on the coding strand, the complement: IMPG2 is on the minus strand). VCF-style: chr3-101243614-C-T. GRCh37 (hg19) VCF-style: chr3-100962458-C-T.
Other names: short protein forms R906Q.
Identifiers: ClinVar variation 1470259 (VCV001470259.8), dbSNP rs1374540250, ClinGen allele CA353855876.

ClinVar aggregate classification (germline): Uncertain significance (1 of 4 stars; one submission).

Allele frequency attached by ClinVar (database versions not stated): gnomAD exomes 0.00001; TOPMed 0.00001.

Submission:

Labcorp Genetics (formerly Invitae), Labcorp
Classification: Uncertain significance. Last evaluated: 2025-05-19. Review status: criteria provided, single submitter. Criteria: Invitae Variant Classification Sherloc (09022015). Collection method: clinical testing. Allele origin: germline.
Comment: This sequence change replaces arginine, which is basic and polar, with glutamine, which is neutral and polar, at codon 906 of the IMPG2 protein (p.Arg906Gln). This variant is not present in population databases (gnomAD no frequency). This missense change has been observed in individual(s) with cone‐rod dystrophy (PMID: 37734845). ClinVar contains an entry for this variant (Variation ID: 1470259). Invitae Evidence Modeling of protein sequence and biophysical properties (such as structural, functional, and spatial information, amino acid conservation, physicochemical variation, residue mobility, and thermodynamic stability) indicates that this missense variant is expected to disrupt IMPG2 protein function with a positive predictive value of 80%. In summary, the available evidence is currently insufficient to determine the role of this variant in disease. Therefore, it has been classified as a Variant of Uncertain Significance.

Literature cited by the submitters: PubMed 37734845.